The following is an entry in ClinVar:

NM_021927.3(GUF1):c.801A>T (p.Arg267Ser)

Gene: GUF1 (GTP binding elongation factor GUF1; plus strand). Cytogenetic location: 4p12.
Variant type: single nucleotide variant.
Coding change: c.801A>T on transcript NM_021927.3 (MANE Select); coding-DNA position 801, A replaced by T.
Protein change: p.Arg267Ser; replaces arginine 267 with serine.
Molecular consequence: missense variant. On other transcripts: 5 prime UTR variant (2).
Genome position (GRCh38, 1-based): chr4:44,686,576, A>T. VCF-style: chr4-44686576-A-T. GRCh37 (hg19) VCF-style: chr4-44688593-A-T.
Other names: c.801A>T (NM_021927.2); c.-172A>T (NM_001345867.2, NM_001345869.2); c.801A>T, p.Arg267Ser (NM_001345868.2); short protein forms R267S.
Identifiers: ClinVar variation 1402413 (VCV001402413.9), dbSNP rs151008986, ClinGen allele CA2905442.

ClinVar aggregate classification (germline): Uncertain significance. Review status: criteria provided, multiple submitters, no conflicts (2 of 4 stars). 3 submissions from 3 submitters: Uncertain significance (3). Last evaluated 2025-04-21.

Allele frequency attached by ClinVar (database versions not stated): ExAC 0.00008; ESP Exome Variant Server 0.00031.
gnomAD v4.1: 437 of 1,612,468 alleles (0.027%); highest among the groups gnomAD compares: Non-Finnish European, 0.036%; no homozygotes.

Submissions (3):

Labcorp Genetics (formerly Invitae), Labcorp
Classification: Uncertain significance. Last evaluated: 2025-04-21. Review status: criteria provided, single submitter. Criteria: Invitae Variant Classification Sherloc (09022015). Collection method: clinical testing. Allele origin: germline.
Comment: This sequence change replaces arginine, which is basic and polar, with serine, which is neutral and polar, at codon 267 of the GUF1 protein (p.Arg267Ser). This variant is present in population databases (rs151008986, gnomAD 0.03%). This variant has not been reported in the literature in individuals affected with GUF1-related conditions. ClinVar contains an entry for this variant (Variation ID: 1402413). Invitae Evidence Modeling of protein sequence and biophysical properties (such as structural, functional, and spatial information, amino acid conservation, physicochemical variation, residue mobility, and thermodynamic stability) indicates that this missense variant is not expected to disrupt GUF1 protein function with a negative predictive value of 80%. In summary, the available evidence is currently insufficient to determine the role of this variant in disease. Therefore, it has been classified as a Variant of Uncertain Significance.

Blueprint Genetics
Classification: Uncertain significance. Last evaluated: 2024-11-21. Review status: criteria provided, single submitter. Criteria: ACMG Guidelines, 2015. Collection method: clinical testing. Allele origin: germline.

Ambry Genetics
Classification: Uncertain significance. Last evaluated: 2024-10-21. Review status: criteria provided, single submitter. Criteria: Ambry Variant Classification Scheme 2023. Collection method: clinical testing. Allele origin: germline.